The following is an entry in ClinVar:

NM_002337.4(LRPAP1):c.705_708del (p.Asp236fs)

Gene: LRPAP1 (LDL receptor related protein associated protein 1; minus strand). Cytogenetic location: 4p16.3.
Variant type: Deletion.
Coding change: c.705_708del on transcript NM_002337.4 (MANE Select); coding-DNA positions 705 to 708, 4 bases deleted (GGAC; older notation c.705_708delGGAC).
Protein change: p.Asp236fs; shifts the reading frame from aspartic acid 236.
Molecular consequence: frameshift variant. On other transcripts: non-coding transcript variant (1).
Genome position (GRCh38, 1-based): chr4:3,518,077-3,518,080, GTCC deleted on the plus strand (GGAC on the coding strand, the reverse complement: LRPAP1 is on the minus strand). VCF-style (leftmost placement, unchanged base first): chr4-3518076-GGTCC-G. GRCh37 (hg19) VCF-style: chr4-3519803-GGTCC-G.
Other names: short protein forms D236fs.
Identifiers: ClinVar variation 1526247 (VCV001526247.1), dbSNP rs763010898, ClinGen allele CA2829882.

ClinVar aggregate classification (germline): Pathogenic (1 of 4 stars; one submission).

Conditions:
Myopia 23, autosomal recessive (MYP23). Identifiers: MedGen C3809482, MONDO:0014183, OMIM 615431.

Allele frequency attached by ClinVar (database versions not stated): ExAC 0.00001; gnomAD exomes below 0.00001.

Submission:

3billion
Classification: Pathogenic for Myopia 23, autosomal recessive. Last evaluated: 2022-03-22. Review status: criteria provided, single submitter. Criteria: ACMG Guidelines, 2015. Collection method: clinical testing. Allele origin: germline. Affected: yes. Observed: 1 homozygote.
Comment: Frameshift: predicted to result in a loss or disruption of normal protein function through nonsense-mediated decay (NMD) or protein truncation. Multiple pathogenic variants are reported downstream of the variant.It is observed at an extremely low frequency in the gnomAD v2.1.1 dataset (total allele frequency:0.0000040). Therefore, this variant is classified as pathogenic according to the recommendation of ACMG/AMP guideline.